The following is an entry in ClinVar:

NM_000075.4(CDK4):c.354+10G>C

Gene: CDK4 (cyclin dependent kinase 4; minus strand). Cytogenetic location: 12q14.1.
Variant type: single nucleotide variant.
Coding change: c.354+10G>C on transcript NM_000075.4 (MANE Select); 10 bases into the intron after coding-DNA position 354, G replaced by C.
Molecular consequence: intron variant.
Genome position (GRCh38, 1-based): chr12:57,751,197, C>G on the plus strand (G>C on the coding strand, the complement: CDK4 is on the minus strand). VCF-style: chr12-57751197-C-G. GRCh37 (hg19) VCF-style: chr12-58144980-C-G.
Identifiers: ClinVar variation 3378657 (VCV003378657.1).
Genomic context (GRCh38, chr12:57,751,197, plus strand): 5'-ACCTGAAATCCCAGAAGGTTCTACTACAAAGGTCCCAATCCACCTCTCAATGCCTACCAA[C>G]CCCACTCACCTTGATCGTTTCGGCTGGCAAGCCTGGTGGGGGTGCCTTGTCCAGATATGT-3'

ClinVar aggregate classification (germline): Likely benign (1 of 4 stars; one submission).

Conditions:
Melanoma, cutaneous malignant, susceptibility to, 3. Also called: Cutaneous malignant melanoma 3. Identifiers: Orphanet 618, MedGen C1836892, MONDO:0012183, OMIM 609048.

Submission:

Myriad Genetics, Inc.
Classification: Likely benign for Melanoma, cutaneous malignant, susceptibility to, 3. Last evaluated: 2024-09-25. Review status: criteria provided, single submitter. Criteria: Myriad Autosomal Dominant, Autosomal Recessive and X-Linked Classification Criteria (2023). Collection method: clinical testing. Allele origin: unknown.
Comment: This variant is considered likely benign. This variant is intronic and is not expected to impact mRNA splicing.